The following is an entry in ClinVar:

NM_012210.4(TRIM32):c.921G>A (p.Trp307Ter)

Genes: ASTN2 (astrotactin 2; minus strand), TRIM32 (tripartite motif containing 32; plus strand). Cytogenetic location: 9q33.1.
Variant type: single nucleotide variant.
Coding change: c.921G>A on transcript NM_012210.4 (MANE Select); coding-DNA position 921, G replaced by A.
Protein change: p.Trp307Ter; replaces tryptophan 307 with a stop codon.
Molecular consequence: nonsense. On other transcripts: intron variant (3).
Genome position (GRCh38, 1-based): chr9:116,698,663, G>A. VCF-style: chr9-116698663-G-A. GRCh37 (hg19) VCF-style: chr9-119460942-G-A.
Other names: c.921G>A, p.Trp307Ter (NM_001099679.2, NM_001379048.1, NM_001379049.1 and 1 more transcripts); c.2653+27108C>T (NM_014010.5); c.2794+27108C>T (NM_001365069.1); c.2806+27108C>T (NM_001365068.1); short protein forms W307*.
Identifiers: ClinVar variation 2750372 (VCV002750372.3), dbSNP rs2491063429, ClinGen allele CA374650365.

ClinVar aggregate classification (germline): Pathogenic (1 of 4 stars; one submission).

Conditions:
Bardet-Biedl syndrome (BBS). Identifiers: Orphanet 110, MedGen C0752166, MONDO:0015229.

Submission:

Labcorp Genetics (formerly Invitae), Labcorp
Classification: Pathogenic for Bardet-Biedl syndrome. Last evaluated: 2023-08-14. Review status: criteria provided, single submitter. Criteria: Invitae Variant Classification Sherloc (09022015). Collection method: clinical testing. Allele origin: germline.
Comment: This sequence change creates a premature translational stop signal (p.Trp307*) in the TRIM32 gene. While this is not anticipated to result in nonsense mediated decay, it is expected to disrupt the last 347 amino acid(s) of the TRIM32 protein. This variant is not present in population databases (gnomAD no frequency). This variant has not been reported in the literature in individuals affected with TRIM32-related conditions. This variant disrupts a region of the TRIM32 protein in which other variant(s) (p.Val591Met) have been determined to be pathogenic (PMID: 30823891). This suggests that this is a clinically significant region of the protein, and that variants that disrupt it are likely to be disease-causing. For these reasons, this variant has been classified as Pathogenic.

Literature cited by the submitters: PubMed 30823891.